The following is an entry in ClinVar:

ClinVar aggregate classification (germline): Uncertain significance (1 of 4 stars; one submission).

Allele frequency attached by ClinVar (database versions not stated): gnomAD 0.00001; gnomAD exomes 0.00001; TOPMed 0.00001; ExAC 0.00002.
gnomAD v4.1: 13 of 1,613,372 alleles (0.00081%); highest among the groups gnomAD compares: Non-Finnish European, 0.0011%; no homozygotes.

Submission:

Labcorp Genetics (formerly Invitae), Labcorp
Classification: Uncertain significance. Last evaluated: 2020-12-28. Review status: criteria provided, single submitter. Criteria: Invitae Variant Classification Sherloc (09022015). Collection method: clinical testing. Allele origin: germline.
Comment: In summary, the available evidence is currently insufficient to determine the role of this variant in disease. Therefore, it has been classified as a Variant of Uncertain Significance. Algorithms developed to predict the effect of missense changes on protein structure and function are either unavailable or do not agree on the potential impact of this missense change (SIFT: "Deleterious"; PolyPhen-2: "Not Available"; Align-GVGD: "Class C0"). This variant has not been reported in the literature in individuals with PCLO-related conditions. This variant is present in population databases (rs766636836, ExAC 0.003%). This sequence change replaces lysine with arginine at codon 3227 of the PCLO protein (p.Lys3227Arg). The lysine residue is highly conserved and there is a small physicochemical difference between lysine and arginine.

NM_033026.6(PCLO):c.9680A>G (p.Lys3227Arg)

Gene: PCLO (piccolo presynaptic cytomatrix protein; minus strand). Cytogenetic location: 7q21.11.
Variant type: single nucleotide variant.
Coding change: c.9680A>G on transcript NM_033026.6 (MANE Select); coding-DNA position 9680, A replaced by G.
Protein change: p.Lys3227Arg; replaces lysine 3227 with arginine.
Molecular consequence: missense variant.
Genome position (GRCh38, 1-based): chr7:82,950,908, T>C on the plus strand (A>G on the coding strand, the complement: PCLO is on the minus strand). VCF-style: chr7-82950908-T-C. GRCh37 (hg19) VCF-style: chr7-82580224-T-C.
Other names: c.9680A>G, p.Lys3227Arg (NM_014510.3); short protein forms K3227R.
Identifiers: ClinVar variation 1422362 (VCV001422362.8), dbSNP rs766636836, ClinGen allele CA4319871.